The following is an entry in ClinVar:

NM_006567.5(FARS2):c.344A>G (p.Asn115Ser)

Genes: FARS2 (phenylalanyl-tRNA synthetase 2, mitochondrial; plus strand), LOC126859565 (CDK7 strongly-dependent group 2 enhancer GRCh37_chr6:5368745-5369944; plus strand). Cytogenetic location: 6p25.1.
Variant type: single nucleotide variant.
Coding change: c.344A>G on transcript NM_006567.5 (MANE Select); coding-DNA position 344, A replaced by G.
Protein change: p.Asn115Ser; replaces asparagine 115 with serine.
Molecular consequence: missense variant. On other transcripts: intron variant (2).
Genome position (GRCh38, 1-based): chr6:5,368,914, A>G. VCF-style: chr6-5368914-A-G. GRCh37 (hg19) VCF-style: chr6-5369147-A-G.
Other names: c.344A>G, p.Asn115Ser (NM_001318872.2, NM_001374875.1, NM_001374876.1 and 5 more transcripts); c.-340-27719A>G (NM_001375260.1); c.-84-35628A>G (NM_001375259.1); short protein forms N115S.
Identifiers: ClinVar variation 473310 (VCV000473310.9), dbSNP rs200731335, ClinGen allele CA3623630.
Genomic context (GRCh38, chr6:5,368,914, plus strand): 5'-AGCACTTCTACAAGCAGTATGTGGGCCGCTTTGGGACCCCGTTGTTCTCGGTCTACGACA[A>G]CCTTTCTCCAGTGGTCACGACCTGGCAGAACTTTGACAGCCTGCTCATCCCAGCTGATCA-3'
Protein context (NP_006558.1, residues 105-125): FGTPLFSVYD[Asn115Ser]LSPVVTTWQN

ClinVar aggregate classification (germline): Conflicting classifications of pathogenicity. Review status: criteria provided, conflicting classifications (1 of 4 stars). 2 submissions from 2 submitters: Uncertain significance (1); Likely benign (1). Last evaluated 2025-12-08.

Conditions:
Combined oxidative phosphorylation defect type 14. Also called: Combined oxidative phosphorylation deficiency 14. Identifiers: Orphanet 319519, MedGen C4755312, MONDO:0013986, OMIM 614946.
Inborn genetic diseases. Identifiers: MedGen C0950123, MeSH D030342.

Allele frequency attached by ClinVar (database versions not stated): gnomAD 0.00003 and 0.00005; gnomAD exomes 0.00004; 1000 Genomes Project 30x 0.00016; 1000 Genomes Project 0.00020; TOPMed 0.00002; ExAC 0.00003.
gnomAD v4.1: 60 of 1,614,120 alleles (0.0037%); highest among the groups gnomAD compares: Middle Eastern, 0.016%; no homozygotes.

Submissions (2):

Labcorp Genetics (formerly Invitae), Labcorp
Classification: Uncertain significance for Combined oxidative phosphorylation defect type 14. Last evaluated: 2025-12-08. Review status: criteria provided, single submitter. Criteria: Invitae Variant Classification Sherloc (09022015). Collection method: clinical testing. Allele origin: germline.
Comment: This sequence change replaces asparagine, which is neutral and polar, with serine, which is neutral and polar, at codon 115 of the FARS2 protein (p.Asn115Ser). This variant is present in population databases (rs200731335, gnomAD 0.006%). This variant has not been reported in the literature in individuals affected with FARS2-related conditions. ClinVar contains an entry for this variant (Variation ID: 473310). Invitae Evidence Modeling of protein sequence and biophysical properties (such as structural, functional, and spatial information, amino acid conservation, physicochemical variation, residue mobility, and thermodynamic stability) indicates that this missense variant is not expected to disrupt FARS2 protein function with a negative predictive value of 95%. In summary, the available evidence is currently insufficient to determine the role of this variant in disease. Therefore, it has been classified as a Variant of Uncertain Significance.

Ambry Genetics
Classification: Likely benign for Inborn genetic diseases. Last evaluated: 2024-06-24. Review status: criteria provided, single submitter. Criteria: Ambry Variant Classification Scheme 2023. Collection method: clinical testing. Allele origin: germline.